The following is an entry in ClinVar:

ClinVar aggregate classification (germline): Pathogenic/Likely pathogenic. Review status: criteria provided, multiple submitters, no conflicts (2 of 4 stars). 5 submissions from 5 submitters: Pathogenic (3); Likely pathogenic (2). Last evaluated 2024-01-25.

Conditions:
Ataxia-telangiectasia syndrome (AT). Also called: ATAXIA-TELANGIECTASIA, COMPLEMENTATION GROUP A; ATAXIA-TELANGIECTASIA, FRESNO VARIANT; Ataxia-telangiectasia; Ataxia-telangiectasia, complementation group D; AT, COMPLEMENTATION GROUP C; Ataxia-telangiectasia, complementation group E. Identifiers: Orphanet 100, MedGen C0004135, MONDO:0008840, OMIM 208900.
Hereditary cancer-predisposing syndrome. Also called: Neoplastic Syndromes, Hereditary; Tumor predisposition; Hereditary Cancer Syndrome; Hereditary neoplastic syndrome. Identifiers: Orphanet 140162, MedGen C0027672, MeSH D009386, MONDO:0015356.
Familial cancer of breast. Also called: hereditary breast carcinoma; BREAST CANCER, FAMILIAL; Hereditary breast cancer. Identifiers: Orphanet 227535, MedGen C0346153, MONDO:0016419, OMIM 114480. Disease mechanism: loss of function.

Submissions (5):

Myriad Genetics, Inc.
Classification: Pathogenic for Familial cancer of breast. Last evaluated: 2024-01-25. Review status: criteria provided, single submitter. Criteria: Myriad Autosomal Dominant, Autosomal Recessive and X-Linked Classification Criteria (2023). Collection method: clinical testing. Allele origin: unknown.
Comment: This variant is considered pathogenic. This variant creates a frameshift predicted to result in premature protein truncation.

Ambry Genetics
Classification: Pathogenic for Hereditary cancer-predisposing syndrome. Last evaluated: 2023-03-01. Review status: criteria provided, single submitter. Criteria: Ambry Variant Classification Scheme 2023. Collection method: clinical testing. Allele origin: germline.
Comment: The c.5184dupA pathogenic mutation, located in coding exon 34 of the ATM gene, results from a duplication of A at nucleotide position 5184, causing a translational frameshift with a predicted alternate stop codon (p.V1729Sfs*20). This variant is considered to be rare based on population cohorts in the Genome Aggregation Database (gnomAD). This alteration is expected to result in loss of function by premature protein truncation or nonsense-mediated mRNA decay. As such, this alteration is interpreted as a disease-causing mutation.

Labcorp Genetics (formerly Invitae), Labcorp
Classification: Pathogenic for Ataxia-telangiectasia syndrome. Last evaluated: 2023-02-10. Review status: criteria provided, single submitter. Criteria: Invitae Variant Classification Sherloc (09022015). Collection method: clinical testing. Allele origin: germline.
Comment: For these reasons, this variant has been classified as Pathogenic. ClinVar contains an entry for this variant (Variation ID: 524304). This variant has not been reported in the literature in individuals affected with ATM-related conditions. This variant is not present in population databases (gnomAD no frequency). This sequence change creates a premature translational stop signal (p.Val1729Serfs*20) in the ATM gene. It is expected to result in an absent or disrupted protein product. Loss-of-function variants in ATM are known to be pathogenic (PMID: 23807571, 25614872).

Sema4
Classification: Likely pathogenic for Hereditary cancer-predisposing syndrome. Last evaluated: 2021-08-06. Review status: criteria provided, single submitter. Criteria: Sema4 Curation Guidelines. Collection method: curation. Allele origin: germline.
Comment: The ATM c.5184dupA (p.V1729SfsX20) variant has not been reported in the literature to our knowledge. This variant causes a frameshift at amino acid 1729 that results in premature termination 20 amino acids downstream. At this location, this is predicted to cause nonsense-mediated decay and result in an absent protein (loss of function). Loss of function variants in ATM are known to be pathogenic (PMID: 31050087). This variant is not reported in the Genome Aggregation Database (PMID: 32461654). This variant has been reported in ClinVar (Variation ID: 524304). Based on the current evidence available, this variant is interpreted as likely pathogenic.

Baylor Genetics
Classification: Likely pathogenic for Familial cancer of breast. Last evaluated: 2020-10-16. Review status: criteria provided, single submitter. Criteria: ACMG Guidelines, 2015. Collection method: clinical testing. Allele origin: unknown.

Literature cited by the submitters: PubMed 23807571 (cited by Labcorp Genetics (formerly Invitae), Labcorp); PubMed 25614872 (cited by Labcorp Genetics (formerly Invitae), Labcorp); PubMed 31050087 (cited by Sema4).

NM_000051.4(ATM):c.5184dup (p.Val1729fs)

Gene: ATM (ATM serine/threonine kinase; plus strand). Cytogenetic location: 11q22.3.
Variant type: Duplication.
Coding change: c.5184dup on transcript NM_000051.4 (MANE Select); coding-DNA position 5184, one base duplicated (A; older notation c.5184dupA).
Protein change: p.Val1729fs; shifts the reading frame from valine 1729.
Molecular consequence: frameshift variant.
Genome position (GRCh38, 1-based): chr11:108,301,654, A duplicated; the last of 3 consecutive A bases (chr11:108,301,652-108,301,654); duplicating any one gives the same sequence. VCF-style (leftmost placement, unchanged base first): chr11-108301651-C-CA. GRCh37 (hg19) VCF-style: chr11-108172378-C-CA.
Other names: c.5184dupA (NM_000051.3); c.5184dup, p.Val1729fs (NM_001351834.2); short protein forms V1729fs.
Identifiers: ClinVar variation 524304 (VCV000524304.9), dbSNP rs1555105588, ClinGen allele CA658797744.